The following is an entry in ClinVar:

NM_000260.4(MYO7A):c.1213C>T (p.Arg405Trp)

Gene: MYO7A (myosin VIIA; plus strand). Cytogenetic location: 11q13.5.
Variant type: single nucleotide variant.
Coding change: c.1213C>T on transcript NM_000260.4 (MANE Select); coding-DNA position 1213, C replaced by T.
Protein change: p.Arg405Trp; replaces arginine 405 with tryptophan.
Molecular consequence: missense variant.
Genome position (GRCh38, 1-based): chr11:77,160,985, C>T. VCF-style: chr11-77160985-C-T. GRCh37 (hg19) VCF-style: chr11-76872031-C-T.
Other names: c.1213C>T, p.Arg405Trp (NM_001127180.2); c.1180C>T, p.Arg394Trp (NM_001369365.1); short protein forms R405W, R394W.
Identifiers: ClinVar variation 836743 (VCV000836743.7), dbSNP rs375745526, ClinGen allele CA6197425.
Genomic context (GRCh38, chr11:77,160,985, plus strand): 5'-CCCGGGGGAGGGTGTGGCTGGTGCCAGTGGCTGATCACTGCCTTTCAGGGGATCTACGGG[C>T]GGCTGTTCGTGTGGATTGTGGACAAGATCAACGCAGCAATTTACAAGCCTCCCTCCCAGG-3'
Protein context (NP_000251.3, residues 395-415): RDAFVKGIYG[Arg405Trp]LFVWIVDKIN

ClinVar aggregate classification (germline): Uncertain significance. Review status: criteria provided, multiple submitters, no conflicts (2 of 4 stars). 4 submissions from 4 submitters: Uncertain significance (3). 1 of the submissions does not count toward it. Last evaluated 2026-04-19.

Conditions:
MYO7A-related disorder. Also called: MYO7A-related disorders.
Usher syndrome type 1B (USH1B). Also called: Usher syndrome type IB. Identifiers: MedGen C1848638, MONDO:0700087.

Allele frequency attached by ClinVar (database versions not stated): TOPMed 0.00003.

Submissions (4):

PreventionGenetics, part of Exact Sciences
Classification: Uncertain significance for MYO7A-related condition. Last evaluated: 2026-04-19. Review status: criteria provided, single submitter. Criteria: ACMG Guidelines, 2015. Collection method: clinical testing. Allele origin: germline.
Comment: The MYO7A c.1213C>T variant is predicted to result in the amino acid substitution p.Arg405Trp. To our knowledge, this variant has not been reported in the literature. This variant is reported in 0.0074% of alleles in individuals of European (Non-Finnish) descent in gnomAD. At this time, the clinical significance of this variant is uncertain due to the absence of conclusive functional and genetic evidence.

Labcorp Genetics (formerly Invitae), Labcorp
Classification: Uncertain significance. Last evaluated: 2025-10-19. Review status: criteria provided, single submitter. Criteria: Invitae Variant Classification Sherloc (09022015). Collection method: clinical testing. Allele origin: germline.
Comment: This sequence change replaces arginine, which is basic and polar, with tryptophan, which is neutral and slightly polar, at codon 405 of the MYO7A protein (p.Arg405Trp). This variant is present in population databases (rs375745526, gnomAD 0.007%). This variant has not been reported in the literature in individuals affected with MYO7A-related conditions. ClinVar contains an entry for this variant (Variation ID: 836743). Invitae Evidence Modeling of protein sequence and biophysical properties (such as structural, functional, and spatial information, amino acid conservation, physicochemical variation, residue mobility, and thermodynamic stability) indicates that this missense variant is expected to disrupt MYO7A protein function with a positive predictive value of 80%. In summary, the available evidence is currently insufficient to determine the role of this variant in disease. Therefore, it has been classified as a Variant of Uncertain Significance.

GeneDx
Classification: Uncertain significance. Last evaluated: 2024-03-05. Review status: criteria provided, single submitter. Criteria: GeneDx Variant Classification Process June 2021. Collection method: clinical testing. Allele origin: germline. Affected: yes.
Comment: In silico analysis supports that this missense variant has a deleterious effect on protein structure/function; Has not been previously published as pathogenic or benign to our knowledge

Natera, Inc.
Classification: Uncertain significance for Usher syndrome type 1B. Last evaluated: 2021-03-02. Review status: no assertion criteria provided. Collection method: clinical testing. Allele origin: germline. Not counted in ClinVar's aggregate classification.